The following is an entry in ClinVar:

NM_000179.3(MSH6):c.2599G>T (p.Val867Leu)

Gene: MSH6 (mutS homolog 6; plus strand). Cytogenetic location: 2p16.3.
Variant type: single nucleotide variant.
Coding change: c.2599G>T on transcript NM_000179.3 (MANE Select); coding-DNA position 2599, G replaced by T.
Protein change: p.Val867Leu; replaces valine 867 with leucine.
Molecular consequence: missense variant.
Genome position (GRCh38, 1-based): chr2:47,800,582, G>T. VCF-style: chr2-47800582-G-T. GRCh37 (hg19) VCF-style: chr2-48027721-G-T.
Other names: c.2209G>T, p.Val737Leu (NM_001281492.2); c.1693G>T, p.Val565Leu (NM_001281493.2, NM_001281494.2, NM_001406811.1 and 6 more transcripts); c.2695G>T, p.Val899Leu (NM_001406795.1, NM_001406802.1); c.2599G>T, p.Val867Leu (NM_001406796.1, NM_001406798.1, NM_001406800.1 and 2 more transcripts); c.2302G>T, p.Val768Leu (NM_001406797.1, NM_001406801.1, NM_001406805.1 and 10 more transcripts); c.2074G>T, p.Val692Leu (NM_001406799.1, NM_001406806.1, NM_001406807.1); c.2521G>T, p.Val841Leu (NM_001406804.1); c.2605G>T, p.Val869Leu (NM_001406813.1); and 1 more; short protein forms V811L, V867L, V768L, V869L, V692L, V737L, V841L, V899L.
Identifiers: ClinVar variation 1793606 (VCV001793606.2), dbSNP rs745954217, ClinGen allele CA346754917.
Genomic context (GRCh38, chr2:47,800,582, plus strand): 5'-GAAACTACATACAGCAAGAAGAAGATTATTGATTTTCTTTCTGCTCTGGAAGGATTCAAA[G>T]TAATGTGTAAAATTATAGGGATCATGGAAGAAGTTGCTGATGGTTTTAAGTCTAAAATCC-3'
Protein context (NP_000170.1, residues 857-877): DFLSALEGFK[Val867Leu]MCKIIGIMEE

ClinVar aggregate classification (germline): Uncertain significance (1 of 4 stars; one submission).

Conditions:
Hereditary cancer-predisposing syndrome. Also called: Tumor predisposition; Hereditary Cancer Syndrome; Neoplastic Syndromes, Hereditary; Hereditary neoplastic syndrome. Identifiers: Orphanet 140162, MedGen C0027672, MeSH D009386, MONDO:0015356.

Submission:

Ambry Genetics
Classification: Uncertain significance for Hereditary cancer-predisposing syndrome. Last evaluated: 2019-06-07. Review status: criteria provided, single submitter. Criteria: Ambry Variant Classification Scheme 2023. Collection method: clinical testing. Allele origin: germline.
Comment: The p.V867L variant (also known as c.2599G>T), located in coding exon 4 of the MSH6 gene, results from a G to T substitution at nucleotide position 2599. The valine at codon 867 is replaced by leucine, an amino acid with highly similar properties. This amino acid position is not well conserved in available vertebrate species. In addition, the in silico prediction for this alteration is inconclusive. In addition, the CoDP in silico tool predicts this alteration to have minor impact on molecular function, with a score of 0.019 (Terui H et al. J. Biomed. Sci. 2013 Apr;20:25). Since supporting evidence is limited at this time, the clinical significance of this alteration remains unclear.